The following is an entry in ClinVar:

NM_002714.4(PPP1R10):c.1086G>A (p.Pro362=)

Gene: PPP1R10 (protein phosphatase 1 regulatory subunit 10; minus strand). Cytogenetic location: 6p21.33.
Variant type: single nucleotide variant.
Coding change: c.1086G>A on transcript NM_002714.4 (MANE Select); coding-DNA position 1086, G replaced by A.
Protein change: p.Pro362=; no amino-acid change (proline 362 retained).
Molecular consequence: synonymous variant. On other transcripts: non-coding transcript variant (1).
Genome position (GRCh38, 1-based): chr6:30,604,604, C>T on the plus strand (G>A on the coding strand, the complement: PPP1R10 is on the minus strand). VCF-style: chr6-30604604-C-T. GRCh37 (hg19) VCF-style: chr6-30572381-C-T.
Other names: c.1086G>A, p.Pro362= (NM_001376195.1).
Identifiers: ClinVar variation 2656336 (VCV002656336.24), dbSNP rs114576811, ClinGen allele CA3699364.

ClinVar aggregate classification (germline): Likely benign (1 of 4 stars; one submission).

Allele frequency attached by ClinVar (database versions not stated): gnomAD exomes 0.00002; ExAC 0.00003; gnomAD 0.00014; 1000 Genomes Project 30x 0.00016; 1000 Genomes Project 0.00020; TOPMed 0.00020.
gnomAD v4.1: 50 of 1,613,022 alleles (0.0031%); highest among the groups gnomAD compares: African/African-American, 0.047%; no homozygotes.

Submission:

CeGaT Center for Human Genetics Tuebingen
Classification: Likely benign. Last evaluated: 2023-02-01. Review status: criteria provided, single submitter. Criteria: CeGaT Center For Human Genetics Tuebingen Variant Classification Criteria Version 2. Collection method: clinical testing. Allele origin: germline. Affected: yes. Observed: 1 variant allele.
Comment: PPP1R10: BP4, BP7